The following is an entry in ClinVar:

ClinVar aggregate classification (germline): Uncertain significance (1 of 4 stars; one submission).

gnomAD v4.1: 22 of 1,602,628 alleles (0.0014%); highest among the groups gnomAD compares: Non-Finnish European, 0.0019%; no homozygotes.

Submission:

Women's Health and Genetics/Laboratory Corporation of America, LabCorp
Classification: Uncertain significance. Last evaluated: 2024-10-04. Review status: criteria provided, single submitter. Criteria: LabCorp Variant Classification Summary - May 2015. Collection method: clinical testing. Allele origin: germline.
Comment: Variant summary: SLC33A1 c.1482+1G>T is located in a canonical splice-site and is predicted to affect mRNA splicing resulting in a significantly altered protein due to either exon skipping, shortening, or inclusion of intronic material. Variants that disrupt the consensus splice site are a relatively common cause of aberrant splicing and loss of SLC33A1 function. Several computational tools predict a significant impact on normal splicing: Four predict the variant abolishes a 5' splicing donor site. However, these predictions have yet to be confirmed by functional studies. The variant allele was found at a frequency of 4e-06 in 251430 control chromosomes. The available data on variant occurrences in the general population are insufficient to allow any conclusion about variant significance. To our knowledge, no occurrence of c.1482+1G>T in individuals affected with Congenital Cataract-Hearing Loss-Severe Developmental Delay Syndrome and no experimental evidence demonstrating its impact on protein function have been reported. No submitters have cited clinical-significance assessments for this variant to ClinVar. Based on the evidence outlined above, the variant was classified as uncertain significance.

NM_004733.4(SLC33A1):c.1482+1G>T

Gene: SLC33A1 (solute carrier family 33 member 1; minus strand). Cytogenetic location: 3q25.31.
Variant type: single nucleotide variant.
Coding change: c.1482+1G>T on transcript NM_004733.4 (MANE Select); the canonical splice donor site of the intron after coding-DNA position 1482, G replaced by T.
Molecular consequence: splice donor variant.
Genome position (GRCh38, 1-based): chr3:155,829,687, C>A on the plus strand (G>T on the coding strand, the complement: SLC33A1 is on the minus strand). VCF-style: chr3-155829687-C-A. GRCh37 (hg19) VCF-style: chr3-155547476-C-A.
Other names: c.1482+1G>T (NM_001190992.2); c.1176+1G>T (NM_001363883.1).
Identifiers: ClinVar variation 3384687 (VCV003384687.1), dbSNP rs778818014.